The following is an entry in ClinVar:

NM_004371.4(COPA):c.722A>C (p.Glu241Ala)

Gene: COPA (coat protein complex I subunit alpha; minus strand). Cytogenetic location: 1q23.2.
Variant type: single nucleotide variant.
Coding change: c.722A>C on transcript NM_004371.4 (MANE Select); coding-DNA position 722, A replaced by C.
Protein change: p.Glu241Ala; replaces glutamic acid 241 with alanine.
Molecular consequence: missense variant.
Genome position (GRCh38, 1-based): chr1:160,314,110, T>G on the plus strand (A>C on the coding strand, the complement: COPA is on the minus strand). VCF-style: chr1-160314110-T-G. GRCh37 (hg19) VCF-style: chr1-160283900-T-G.
Other names: c.722A>C, p.Glu241Ala (LRG_1336t1, NM_001098398.2); short protein forms E241A.
Identifiers: ClinVar variation 576697 (VCV000576697.8), dbSNP rs1557868201, ClinGen allele CA343264523.

ClinVar aggregate classification (germline): Uncertain significance (1 of 4 stars; one submission).

Conditions:
Autoimmune interstitial lung disease-arthritis syndrome. Also called: Autoinflammation and autoimmunity, systemic, with immune dysregulation. Identifiers: Orphanet 444092, MedGen C5975714, MONDO:0014629.

Submission:

Labcorp Genetics (formerly Invitae), Labcorp
Classification: Uncertain significance for Autoimmune interstitial lung disease-arthritis syndrome. Last evaluated: 2018-06-26. Review status: criteria provided, single submitter. Criteria: Invitae Variant Classification Sherloc (09022015). Collection method: clinical testing. Allele origin: germline.
Comment: In summary, the available evidence is currently insufficient to determine the role of this variant in disease. Therefore, it has been classified as a Variant of Uncertain Significance. A different missense substitution at this codon (p.Glu241Lys) has been determined to be pathogenic (PMID: 25894502). This suggests that the glutamic acid residue is critical for COPA protein function and that other missense substitutions at this position may also be pathogenic. Algorithms developed to predict the effect of missense changes on protein structure and function do not agree on the potential impact of this missense change (SIFT: "Deleterious"; PolyPhen-2: "Possibly Damaging"; Align-GVGD: "Class C0"). This variant has not been reported in the literature in individuals with COPA-related disease. This variant is not present in population databases (ExAC no frequency). This sequence change replaces glutamic acid with alanine at codon 241 of the COPA protein (p.Glu241Ala). The glutamic acid residue is highly conserved and there is a moderate physicochemical difference between glutamic acid and alanine.

Literature cited by the submitters: PubMed 25894502.